The following is an entry in ClinVar:

ClinVar aggregate classification (germline): Uncertain significance (1 of 4 stars; one submission).

Conditions:
Hereditary spastic paraplegia 73. Also called: Spastic paraplegia 73, autosomal dominant. Identifiers: Orphanet 444099, MedGen C5568981, MONDO:0014568, OMIM 616282.

Submission:

Labcorp Genetics (formerly Invitae), Labcorp
Classification: Uncertain significance for Hereditary spastic paraplegia 73. Last evaluated: 2025-07-30. Review status: criteria provided, single submitter. Criteria: Invitae Variant Classification Sherloc (09022015). Collection method: clinical testing. Allele origin: germline.
Comment: This sequence change replaces threonine, which is neutral and polar, with isoleucine, which is neutral and non-polar, at codon 661 of the CPT1C protein (p.Thr661Ile). This variant is not present in population databases (gnomAD no frequency). This variant has not been reported in the literature in individuals affected with CPT1C-related conditions. Invitae Evidence Modeling of protein sequence and biophysical properties (such as structural, functional, and spatial information, amino acid conservation, physicochemical variation, residue mobility, and thermodynamic stability) indicates that this missense variant is not expected to disrupt CPT1C protein function with a negative predictive value of 80%. In summary, the available evidence is currently insufficient to determine the role of this variant in disease. Therefore, it has been classified as a Variant of Uncertain Significance.

NM_001199753.2(CPT1C):c.2015C>T (p.Thr672Ile)

Gene: CPT1C (carnitine palmitoyltransferase 1C; plus strand). Cytogenetic location: 19q13.33.
Variant type: single nucleotide variant.
Coding change: c.2015C>T on transcript NM_001199753.2 (MANE Select); coding-DNA position 2015, C replaced by T.
Protein change: p.Thr672Ile; replaces threonine 672 with isoleucine.
Molecular consequence: missense variant. On other transcripts: non-coding transcript variant (1).
Genome position (GRCh38, 1-based): chr19:49,711,957, C>T. VCF-style: chr19-49711957-C-T. GRCh37 (hg19) VCF-style: chr19-50215214-C-T.
Other names: c.1982C>T, p.Thr661Ile (NM_001136052.3, NM_001378485.1); c.2015C>T, p.Thr672Ile (NM_001199752.3, NM_001378483.1, NM_001378484.1 and 1 more transcripts); c.2081C>T, p.Thr694Ile (NM_001378482.1); c.1880C>T, p.Thr627Ile (NM_001378486.1, NM_001378488.1); c.1847C>T, p.Thr616Ile (NM_001378487.1); short protein forms T627I, T672I, T694I, T661I, T616I.
Identifiers: ClinVar variation 4696643 (VCV004696643.1).
Genomic context (GRCh38, chr19:49,711,957, plus strand): 5'-GCCACCTGTTTGCGCTGTACATCGTGTCCCGATTCCTCCACCTGCAGTCGCCCTTCCTGA[C>T]CCAGGTTGGGGCACAGGGAAAGGGTTAGAGAGGGAAGTGGGAGACCATGGAAGAAGGGAG-3'
Protein context (NP_001186682.1, residues 662-682): RFLHLQSPFL[Thr672Ile]QVHSEQWQLS